The following is an entry in ClinVar:

NM_000124.4(ERCC6):c.3084_3091del (p.Val1029fs)

Gene: ERCC6 (ERCC excision repair 6, chromatin remodeling factor; minus strand). Cytogenetic location: 10q11.23.
Variant type: Deletion.
Coding change: c.3084_3091del on transcript NM_000124.4 (MANE Select); coding-DNA positions 3084 to 3091, 8 bases deleted (TGTTCAGA; older notation c.3084_3091delTGTTCAGA).
Protein change: p.Val1029fs; shifts the reading frame from valine 1029.
Molecular consequence: frameshift variant.
Genome position (GRCh38, 1-based): chr10:49,470,869-49,470,876, TCTGAACA deleted on the plus strand (TGTTCAGA on the coding strand, the reverse complement: ERCC6 is on the minus strand); deleting any 8 consecutive bases within chr10:49,470,869-49,470,881 gives the same sequence; the c. name uses the placement nearest the transcript's 3' end. VCF-style (leftmost placement, unchanged base first): chr10-49470868-GTCTGAACA-G. GRCh37 (hg19) VCF-style: chr10-50678914-GTCTGAACA-G.
Other names: c.3084_3091del, p.Val1029fs (NM_001346440.2); short protein forms V1029fs.
Identifiers: ClinVar variation 5012508 (VCV005012508.1).

ClinVar aggregate classification (germline): Pathogenic (1 of 4 stars; one submission).

Conditions:
Cockayne spectrum with or without cerebrooculofacioskeletal syndrome. Identifiers: MedGen CN315928, MONDO:0100506.

Submission:

Myriad Genetics, Inc.
Classification: Pathogenic for Cockayne spectrum with or without cerebrooculofacioskeletal syndrome. Last evaluated: 2023-11-21. Review status: criteria provided, single submitter. Criteria: Myriad Autosomal Dominant, Autosomal Recessive and X-Linked Classification Criteria (2023). Collection method: clinical testing. Allele origin: unknown.
Comment: NM_000124.2(ERCC6):c.3084_3091del8(V1029Tfs*18) is expected to be pathogenic in the context of ERCC6-related disorders. This variant is predicted to lead to an abnormal or absent protein product due to the creation of a premature termination codon in ERCC6, a gene where loss-of-function variants are known to be pathogenic. Please note: this variant was assessed in the context of healthy population screening.